The following is an entry in ClinVar:

ClinVar aggregate classification (germline): Pathogenic/Likely pathogenic. Review status: criteria provided, multiple submitters, no conflicts (2 of 4 stars). 16 submissions from 16 submitters: Pathogenic (6); Likely pathogenic (6). 4 of the submissions do not count toward it. Last evaluated 2026-10-15.

Conditions:
PROKR2-related disorder. Also called: PROKR2-related condition.
Inborn genetic diseases. Identifiers: MedGen C0950123, MeSH D030342.
Hypogonadotropic hypogonadism 3 with or without anosmia (HH3). Also called: PROKR2-Related GnRH Deficiency (Kallmann Syndrome 3); HYPOGONADOTROPIC HYPOGONADISM 3 WITH ANOSMIA. Identifiers: Orphanet 478, MedGen C3550478, MONDO:0009482, OMIM 244200.
Hypogonadotropic hypogonadism 2 with or without anosmia (HH2). Also called: FGFR1-Related GnRH Deficiency (Kallmann Syndrome 2); HYPOGONADOTROPIC HYPOGONADISM 2 WITH OR WITHOUT ANOSMIA, SUSCEPTIBILITY TO; HYPOGONADOTROPIC HYPOGONADISM 2 WITHOUT ANOSMIA, SUSCEPTIBILITY TO; HYPOGONADOTROPIC HYPOGONADISM 2 WITHOUT ANOSMIA. Identifiers: Orphanet 478, MedGen C1563720, MONDO:0007844, OMIM 147950. Disease mechanism: loss of function.

Submissions 1 to 12 of 16:

GeneDx
Classification: Likely pathogenic. Last evaluated: 2026-10-15. Review status: criteria provided, single submitter. Criteria: GeneDx Variant Classification Process June 2021. Collection method: clinical testing. Allele origin: germline.
Comment: Frameshift variant predicted to result in protein truncation or nonsense mediated decay in a gene for which loss of function is a known mechanism of disease; This variant is associated with the following publications: (PMID: 23643382, 29778231, 31589614, 34426522, 24276467, 36531499, 30476936, 17054399, 37291213, 42751320)

Synevo Romania
Classification: Pathogenic for Hypogonadotropic hypogonadism 3 with or without anosmia. Last evaluated: 2026-03-23. Review status: criteria provided, single submitter. Criteria: ACMG Guidelines, 2015. Collection method: clinical testing. Allele origin: inherited. Inheritance: Autosomal unknown. Observed: 1 variant allele, 1 heterozygote.
Comment: This variant has been observed in heterozygous, homozygous and compund heterozygous state in affected patients. For heterozygous carriers a low penetrance has been seen. General population frequency is around 1:3500 (PMID: 23596439,24031091,24276467).

Labcorp Genetics (formerly Invitae), Labcorp
Classification: Pathogenic. Last evaluated: 2025-11-01. Review status: criteria provided, single submitter. Criteria: Invitae Variant Classification Sherloc (09022015). Collection method: clinical testing. Allele origin: germline.
Comment: This sequence change creates a premature translational stop signal (p.His20Metfs*24) in the PROKR2 gene. It is expected to result in an absent or disrupted protein product. Loss-of-function variants in PROKR2 are known to be pathogenic (PMID: 17054399, 18682503). This variant is present in population databases (rs587777834, gnomAD 0.02%). This premature translational stop signal has been observed in individual(s) with Kallmann Syndrome (PMID: 17054399, 23643382, 24276467). ClinVar contains an entry for this variant (Variation ID: 3452). Algorithms developed to predict the effect of sequence changes on RNA splicing suggest that this variant may create or strengthen a splice site. For these reasons, this variant has been classified as Pathogenic.

CeGaT Center for Human Genetics Tuebingen
Classification: Pathogenic. Last evaluated: 2025-02-01. Review status: criteria provided, single submitter. Criteria: CeGaT Center For Human Genetics Tuebingen Variant Classification Criteria Version 2. Collection method: clinical testing. Allele origin: germline. Affected: yes. Observed: 1 variant allele.
Comment: PROKR2: PVS1, PS4:Moderate, PM2:Supporting

Blueprint Genetics
Classification: Likely pathogenic for PROKR2-related disorders. Last evaluated: 2024-11-20. Review status: criteria provided, single submitter. Criteria: ACMG Guidelines, 2015. Collection method: clinical testing. Allele origin: germline. Affected: yes. Observed: 5 variant alleles.

Fulgent Genetics
Classification: Pathogenic for Hypogonadotropic hypogonadism 3 with or without anosmia. Last evaluated: 2024-05-06. Review status: criteria provided, single submitter. Criteria: ACMG Guidelines, 2015. Collection method: clinical testing. Allele origin: germline.

Women's Health and Genetics/Laboratory Corporation of America, LabCorp
Classification: Pathogenic for Hypogonadotropic hypogonadism 3 with or without anosmia. Last evaluated: 2022-06-17. Review status: criteria provided, single submitter. Criteria: LabCorp Variant Classification Summary - May 2015. Collection method: clinical testing. Allele origin: germline.
Comment: Variant summary: PROKR2 c.58delC (p.His20MetfsX24) results in a premature termination codon, predicted to cause a truncation of the encoded protein or absence of the protein due to nonsense mediated decay, which are commonly known mechanisms for disease. The variant allele was found at a frequency of 0.0001 in 251478 control chromosomes. This frequency does not allow conclusions about variant significance. c.58delC has been reported in the literature as a heterozygous genotype in individuals from a reportedly Kallman syndrome cohort (example, Sarfati_2013), idiopathic central hypogonadism (example, Libri_2014), congenital hypogonadotropic hypogonadism (example, Abbara_2021), Obesity (example, Libri_2014) and as a compound heterozygous genotype in at-least two individuals affected with hypogonadism and anosmia whose carrier mother reported as having only anosmia (example, Dode_2006). These data indicate that the variant is likely to be associated with disease. To our knowledge, no experimental evidence demonstrating an impact on protein function has been reported. Seven clinical diagnostic laboratories have submitted clinical-significance assessments for this variant to ClinVar after 2014 without evidence for independent evaluation. Multiple laboratories reported the variant with conflicting assessments (VUS, n=3, Pathogenic/Likely pathogenic, n=4). Based on the evidence outlined above, the variant was classified as pathogenic.

Victorian Clinical Genetics Services, Murdoch Childrens Research Institute
Classification: Likely pathogenic for Hypogonadotropic hypogonadism 3 with or without anosmia. Last evaluated: 2022-03-31. Review status: criteria provided, single submitter. Criteria: ACMG Guidelines, 2015. Collection method: clinical testing. Allele origin: germline. Affected: yes.
Comment: Based on the classification scheme VCGS_Germline_v1.3.4, this variant is classified as a Likely pathogenic. Following criteria are met: 0103 - Dominant negative and loss of function are known mechanisms of disease in this gene and are associated with hypogonadotropic hypogonadism 3 with or without anosmia (MONDO:0009482) (PMIDs: 18826963, 29161432). (I) 0108 - This gene is associated with both recessive and dominant disease. Heterozygous, compound heterozygous and homozygous variants have been reported several times in patients with hypogonadotropic hypogonadism 3 with or without anosmia (MONDO:0009482). (I) 0112 - The condition associated with this gene has incomplete penetrance (OMIM, PMID: 18682503). (I) 0201 - Variant is predicted to cause nonsense-mediated decay (NMD) and loss of protein (premature termination codon is located at least 54 nucleotides upstream of the final exon-exon junction). (SP) 0251 - This variant is heterozygous. (I) 0304 - Variant is present in gnomAD (v3) <0.01 (33 heterozygotes, 0 homozygotes). (SP) 0710 - Another NMD-predicted variant comparable to the one identified in this case has inconclusive previous evidence for pathogenicity. An individual with normosmic isolated hypogonadotropic hypogonadism was heterozygous for an NMD-predicted variant in the PROKR2 gene and also heterozygous for p.(Gln106Arg) in the GNRHR gene (PMID: 24276467). (I) 0808 - Previous reports of pathogenicity for this variant are conflicting. It has been reported in ClinVar, four times as pathogenic/likely pathogenic and three times as VUS by clinical testing laboratories. It has been reported in DECIPHER as uncertain significance in a heterozygous individual with hypospadias. It has also been reported as heterozygous in three affected individuals (PMIDs: 23643382, 24276467), as compound heterozygous in two affected siblings (PMIDs: 17054399, 20022991), and in at least one affected individual with unknown zygosity (PMID: 23533228). In addition, the variant has been reported as heterozygous in unaffected individuals (PMID: 31589614). (I) 1007 - No published functional evidence has been identified for this variant. (I) Legend: (SP) - Supporting pathogenic, (I) - Information, (SB) - Supporting benign

MGZ Medical Genetics Center
Classification: Pathogenic for Hypogonadotropic hypogonadism 2 with or without anosmia. Last evaluated: 2022-01-27. Review status: criteria provided, single submitter. Criteria: ACMG Guidelines, 2015. Collection method: clinical testing. Allele origin: germline. Affected: yes. Observed: 3 variant alleles.
Comment: ACMG criteria applied: PVS1, PS4_MOD, PM2_SUP

Laboratory of Medical Genetics, National & Kapodistrian University of Athens
Classification: Likely pathogenic for Hypogonadotropic hypogonadism 3 with or without anosmia. Last evaluated: 2021-10-06. Review status: criteria provided, single submitter. Criteria: ACMG Guidelines, 2015. Collection method: clinical testing. Allele origin: unknown.
Comment: PVS1, PM2 It results in a premature termination codon, predicted to cause a truncation of the encoded protein or absence of the protein. Loss-of-function variants in PROKR2 are known to be pathogenic (PMID: 17054399).

Revvity Omics, Revvity
Classification: Likely pathogenic for Hypogonadotropic hypogonadism 3 with or without anosmia. Last evaluated: 2020-06-24. Review status: criteria provided, single submitter. Criteria: ACMG Guidelines, 2015. Collection method: clinical testing. Allele origin: germline.

Ambry Genetics
Classification: Likely pathogenic for Hereditary disease. Last evaluated: 2015-01-30. Review status: criteria provided, single submitter. Criteria: ambry_reporting_categories_2017. Collection method: clinical testing. Allele origin: germline. Affected: yes. Observed: 1 heterozygote. Segregation with disease observed.
Comment: Lines of evidence used in support of classification: CANDIDATE: Alteration(s) of Potential Clinical Relevance Detected

NM_144773.4(PROKR2):c.58del (p.His20fs)

Gene: PROKR2 (prokineticin receptor 2; minus strand). Cytogenetic location: 20p12.3.
Variant type: Deletion.
Coding change: c.58del on transcript NM_144773.4 (MANE Select); coding-DNA position 58, one base deleted (C; older notation c.58delC).
Protein change: p.His20fs; shifts the reading frame from histidine 20.
Molecular consequence: frameshift variant.
Genome position (GRCh38, 1-based): chr20:5,314,312, G deleted on the plus strand (C on the coding strand, the reverse complement: PROKR2 is on the minus strand); the first of 2 consecutive G bases (chr20:5,314,312-5,314,313); deleting either gives the same sequence. VCF-style (leftmost placement, unchanged base first): chr20-5314311-TG-T. GRCh37 (hg19) VCF-style: chr20-5294957-TG-T.
Other names: c.58delC (NM_144773.2, NM_144773.3, NM_144773.4); short protein forms H20fs.
Identifiers: ClinVar variation 3452 (VCV000003452.48), dbSNP rs587777834, ClinGen allele CA259602.
Genomic context (GRCh38, chr20:5,314,311, plus strand): 5'-TCCTCATCCATAGGGAGGTCATAATCACCATAACTGAAGTTAAAGGAGAGGGAGGAGGCA[TG>T]GTCTTGGGGTGGATTAAAGTTGGGTGTGAAACTGGTGTTTCCATTCTGGGCTGCCATGGT-3'